The following is an entry in ClinVar:

ClinVar aggregate classification (germline): Uncertain significance (1 of 4 stars; one submission).

Submission:

GeneDx
Classification: Uncertain significance. Last evaluated: 2023-06-18. Review status: criteria provided, single submitter. Criteria: GeneDx Variant Classification Process June 2021. Collection method: clinical testing. Allele origin: germline. Affected: yes.
Comment: Not observed at significant frequency in large population cohorts (gnomAD); In silico analysis supports that this missense variant has a deleterious effect on protein structure/function; Has not been previously published as pathogenic or benign to our knowledge

NM_022101.4(STEEP1):c.440G>C (p.Arg147Pro)

Gene: STEEP1 (STING1 ER exit protein 1; minus strand). Cytogenetic location: Xq24.
Variant type: single nucleotide variant.
Coding change: c.440G>C on transcript NM_022101.4 (MANE Select); coding-DNA position 440, G replaced by C.
Protein change: p.Arg147Pro; replaces arginine 147 with proline.
Molecular consequence: missense variant.
Genome position (GRCh38, 1-based): chrX:119,542,578, C>G on the plus strand (G>C on the coding strand, the complement: STEEP1 is on the minus strand). VCF-style: chrX-119542578-C-G. GRCh37 (hg19) VCF-style: chrX-118676541-C-G.
Other names: c.293G>C, p.Arg98Pro (NM_001170569.1); c.398G>C, p.Arg133Pro (NM_001170570.2); short protein forms R133P, R147P, R98P.
Identifiers: ClinVar variation 3360184 (VCV003360184.1).